The following is an entry in ClinVar:

NM_000051.4(ATM):c.5228C>A (p.Thr1743Lys)

Gene: ATM (ATM serine/threonine kinase; plus strand). Cytogenetic location: 11q22.3.
Variant type: single nucleotide variant.
Coding change: c.5228C>A on transcript NM_000051.4 (MANE Select); coding-DNA position 5228, C replaced by A.
Protein change: p.Thr1743Lys; replaces threonine 1743 with lysine.
Molecular consequence: missense variant.
Genome position (GRCh38, 1-based): chr11:108,301,698, C>A. VCF-style: chr11-108301698-C-A. GRCh37 (hg19) VCF-style: chr11-108172425-C-A.
Other names: c.5228C>A, p.Thr1743Lys (NM_001351834.2); short protein forms T1743K.
Identifiers: ClinVar variation 1172023 (VCV001172023.4), dbSNP rs587779844, ClinGen allele CA382542343.

ClinVar aggregate classification (germline): Uncertain significance. Review status: criteria provided, multiple submitters, no conflicts (2 of 4 stars). 3 submissions from 3 submitters: Uncertain significance (3). Last evaluated 2025-12-09.

Conditions:
Hereditary cancer-predisposing syndrome. Also called: Tumor predisposition; Hereditary neoplastic syndrome; Hereditary Cancer Syndrome; Neoplastic Syndromes, Hereditary. Identifiers: Orphanet 140162, MedGen C0027672, MeSH D009386, MONDO:0015356.
Familial cancer of breast. Also called: hereditary breast carcinoma; Hereditary breast cancer; BREAST CANCER, FAMILIAL. Identifiers: Orphanet 227535, MedGen C0346153, MONDO:0016419, OMIM 114480. Disease mechanism: loss of function.

Submissions (3):

Ambry Genetics
Classification: Uncertain significance for Hereditary cancer-predisposing syndrome. Last evaluated: 2025-12-09. Review status: criteria provided, single submitter. Criteria: Ambry Variant Classification Scheme 2023. Collection method: clinical testing. Allele origin: germline.
Comment: The p.T1743K variant (also known as c.5228C>A), located in coding exon 34 of the ATM gene, results from a C to A substitution at nucleotide position 5228. The threonine at codon 1743 is replaced by lysine, an amino acid with similar properties. This amino acid position is highly conserved in available vertebrate species. In addition, this alteration is predicted to be deleterious by in silico analysis. Based on the available evidence, the clinical significance of this variant remains unclear.

Department of Pathology and Laboratory Medicine, Sinai Health System
Classification: Uncertain significance for Familial cancer of breast. Last evaluated: 2021-07-06. Review status: criteria provided, single submitter. Criteria: ACMG Guidelines, 2015. Collection method: clinical testing. Allele origin: germline. Affected: yes.

Color Diagnostics, LLC DBA Color Health
Classification: Uncertain significance for Hereditary cancer-predisposing syndrome. Last evaluated: 2020-07-27. Review status: criteria provided, single submitter. Criteria: ACMG Guidelines, 2015. Collection method: clinical testing. Allele origin: germline.
Comment: This missense variant replaces threonine with lysine at codon 1743 of the ATM protein. Computational prediction is inconclusive regarding the impact of this variant on protein structure and function (internally defined REVEL score threshold 0.5 < inconclusive < 0.7, PMID: 27666373). To our knowledge, functional studies have not been reported for this variant. This variant has not been reported in individuals affected with hereditary cancer in the literature. This variant has not been identified in the general population by the Genome Aggregation Database (gnomAD). The available evidence is insufficient to determine the role of this variant in disease conclusively. Therefore, this variant is classified as a Variant of Uncertain Significance.